The following is an entry in ClinVar:

NM_001457.4(FLNB):c.2170G>T (p.Gly724Cys)

Gene: FLNB (filamin B; plus strand). Cytogenetic location: 3p14.3.
Variant type: single nucleotide variant.
Coding change: c.2170G>T on transcript NM_001457.4 (MANE Select); coding-DNA position 2170, G replaced by T.
Protein change: p.Gly724Cys; replaces glycine 724 with cysteine.
Molecular consequence: missense variant.
Genome position (GRCh38, 1-based): chr3:58,109,293, G>T. VCF-style: chr3-58109293-G-T. GRCh37 (hg19) VCF-style: chr3-58095020-G-T.
Other names: c.2170G>T (NM_001457.3); c.2170G>T, p.Gly724Cys (NM_001164317.2, NM_001164318.2, NM_001164319.2); short protein forms G724C.
Identifiers: ClinVar variation 3627245 (VCV003627245.3).

ClinVar aggregate classification (germline): Uncertain significance. Review status: criteria provided, multiple submitters, no conflicts (2 of 4 stars). 2 submissions from 2 submitters: Uncertain significance (2). Last evaluated 2026-01-17.

Conditions:
Inborn genetic diseases. Identifiers: MedGen C0950123, MeSH D030342.

gnomAD v4.1: 20 of 1,614,042 alleles (0.0012%); highest among the groups gnomAD compares: Non-Finnish European, 0.0017%; no homozygotes.

Submissions (2):

Labcorp Genetics (formerly Invitae), Labcorp
Classification: Uncertain significance. Last evaluated: 2026-01-17. Review status: criteria provided, single submitter. Criteria: Invitae Variant Classification Sherloc (09022015). Collection method: clinical testing. Allele origin: germline.
Comment: This sequence change replaces glycine, which is neutral and non-polar, with cysteine, which is neutral and slightly polar, at codon 724 of the FLNB protein (p.Gly724Cys). This variant is not present in population databases (gnomAD no frequency). This variant has not been reported in the literature in individuals affected with FLNB-related conditions. ClinVar contains an entry for this variant (Variation ID: 3627245). Invitae Evidence Modeling of protein sequence and biophysical properties (such as structural, functional, and spatial information, amino acid conservation, physicochemical variation, residue mobility, and thermodynamic stability) has been performed for this missense variant. However, the output from this modeling did not meet the statistical confidence thresholds required to predict the impact of this variant on FLNB protein function. In summary, the available evidence is currently insufficient to determine the role of this variant in disease. Therefore, it has been classified as a Variant of Uncertain Significance.

Ambry Genetics
Classification: Uncertain significance for Inborn genetic diseases. Last evaluated: 2025-09-01. Review status: criteria provided, single submitter. Criteria: Ambry Variant Classification Scheme 2023. Collection method: clinical testing. Allele origin: germline.